The following is an entry in ClinVar:

ClinVar aggregate classification (germline): Uncertain significance (1 of 4 stars; one submission).

Conditions:
Congenital muscular dystrophy due to integrin alpha-7 deficiency. Also called: Congenital muscular dystrophy with integrin alpha-7 deficiency; Muscular dystrophy, congenital, due to ITGA7 deficiency; MYOPATHY, CONGENITAL, DUE TO INTEGRIN ALPHA-7 DEFICIENCY. Identifiers: Orphanet 34520, MedGen C2750786, MONDO:0013177, OMIM 613204.

Allele frequency attached by ClinVar (database versions not stated): gnomAD exomes below 0.00001.
gnomAD v4.1: 1 of 1,596,206 alleles (0.000063%); highest among the groups gnomAD compares: Non-Finnish European, 0.000085%; no homozygotes.

Submission:

Labcorp Genetics (formerly Invitae), Labcorp
Classification: Uncertain significance for Congenital muscular dystrophy due to integrin alpha-7 deficiency. Last evaluated: 2022-04-06. Review status: criteria provided, single submitter. Criteria: Invitae Variant Classification Sherloc (09022015). Collection method: clinical testing. Allele origin: germline.
Comment: This sequence change replaces proline, which is neutral and non-polar, with alanine, which is neutral and non-polar, at codon 1132 of the ITGA7 protein (p.Pro1132Ala). This variant is not present in population databases (gnomAD no frequency). This variant has not been reported in the literature in individuals affected with ITGA7-related conditions. In summary, the available evidence is currently insufficient to determine the role of this variant in disease. Therefore, it has been classified as a Variant of Uncertain Significance. Algorithms developed to predict the effect of missense changes on protein structure and function output the following: SIFT: "Tolerated"; PolyPhen-2: "Benign"; Align-GVGD: "Class C0". The alanine amino acid residue is found in multiple mammalian species, which suggests that this missense change does not adversely affect protein function.

NM_002206.3(ITGA7):c.3394C>G (p.Pro1132Ala)

Gene: ITGA7 (integrin subunit alpha 7; minus strand). Cytogenetic location: 12q13.2.
Variant type: single nucleotide variant.
Coding change: c.3394C>G on transcript NM_002206.3 (MANE Select); coding-DNA position 3394, C replaced by G.
Protein change: p.Pro1132Ala; replaces proline 1132 with alanine.
Molecular consequence: missense variant.
Genome position (GRCh38, 1-based): chr12:55,685,078, G>C on the plus strand (C>G on the coding strand, the complement: ITGA7 is on the minus strand). VCF-style: chr12-55685078-G-C. GRCh37 (hg19) VCF-style: chr12-56078862-G-C.
Other names: c.3406C>G, p.Pro1136Ala (NM_001144996.2); c.3115C>G, p.Pro1039Ala (NM_001144997.2); c.3067C>G, p.Pro1023Ala (NM_001367993.1); c.2050C>G, p.Pro684Ala (NM_001367994.1); c.3376C>G, p.Pro1126Ala (NM_001374465.1); c.3526C>G, p.Pro1176Ala (NM_001410977.1); c.3388C>G, p.Pro1130Ala (NM_001414029.1); c.3319C>G, p.Pro1107Ala (NM_001414030.1); and 5 more; short protein forms P1176A, P1019A, P1071A, P1092A, P1103A, P1126A, P684A, P1057A.
Identifiers: ClinVar variation 1921799 (VCV001921799.5), dbSNP rs1869765715, ClinGen allele CA385179952.